The following is an entry in ClinVar:

ClinVar aggregate classification (germline): Uncertain significance (1 of 4 stars; one submission).

Submission:

Labcorp Genetics (formerly Invitae), Labcorp
Classification: Uncertain significance. Last evaluated: 2025-11-01. Review status: criteria provided, single submitter. Criteria: Invitae Variant Classification Sherloc (09022015). Collection method: clinical testing. Allele origin: germline.
Comment: This sequence change falls in intron 15 of the PRPF6 gene. It does not directly change the encoded amino acid sequence of the PRPF6 protein. It affects a nucleotide within the consensus splice site. This variant is not present in population databases (gnomAD no frequency). This variant has not been reported in the literature in individuals affected with PRPF6-related conditions. ClinVar contains an entry for this variant (Variation ID: 1016376). Variants that disrupt the consensus splice site are a relatively common cause of aberrant splicing (PMID: 17576681, 9536098). Algorithms developed to predict the effect of sequence changes on RNA splicing suggest that this variant is not likely to affect RNA splicing. In summary, the available evidence is currently insufficient to determine the role of this variant in disease. Therefore, it has been classified as a Variant of Uncertain Significance.

Literature cited by the submitters: PubMed 17576681; PubMed 9536098.

NM_012469.4(PRPF6):c.2028+4C>G

Gene: PRPF6 (pre-mRNA processing factor 6; plus strand). Cytogenetic location: 20q13.33.
Variant type: single nucleotide variant.
Coding change: c.2028+4C>G on transcript NM_012469.4 (MANE Select); 4 bases into the intron after coding-DNA position 2028, C replaced by G.
Molecular consequence: intron variant.
Genome position (GRCh38, 1-based): chr20:64,026,062, C>G. VCF-style: chr20-64026062-C-G. GRCh37 (hg19) VCF-style: chr20-62657415-C-G.
Identifiers: ClinVar variation 1016376 (VCV001016376.6), dbSNP rs555183513, ClinGen allele CA2375117030.
Genomic context (GRCh38, chr20:64,026,062, plus strand): 5'-TACGAGCGGGCCCGGAGGCTGCTGGCCAAGGCGCGGAGCAGTGCCCCCACCGCCCGGGTA[C>G]GCAGTGGCAGGCAGGGCTGGGCCGTCTGGGGTGCATGGTGTGCACATGCGGGCCCCACGC-3'